The following is an entry in ClinVar:

NM_177438.3(DICER1):c.3089A>G (p.Lys1030Arg)

Gene: DICER1 (dicer 1, ribonuclease III; minus strand). Cytogenetic location: 14q32.13.
Variant type: single nucleotide variant.
Coding change: c.3089A>G on transcript NM_177438.3 (MANE Select); coding-DNA position 3089, A replaced by G.
Protein change: p.Lys1030Arg; replaces lysine 1030 with arginine.
Molecular consequence: missense variant. On other transcripts: non-coding transcript variant (6).
Genome position (GRCh38, 1-based): chr14:95,105,682, T>C on the plus strand (A>G on the coding strand, the complement: DICER1 is on the minus strand). VCF-style: chr14-95105682-T-C. GRCh37 (hg19) VCF-style: chr14-95572019-T-C.
Other names: c.3089A>G, p.Lys1030Arg (NM_001195573.1, NM_001271282.3, NM_001291628.2 and 13 more transcripts); c.2807A>G, p.Lys936Arg (NM_001395686.1); c.2684A>G, p.Lys895Arg (NM_001395687.1, NM_001395688.1, NM_001395689.1 and 2 more transcripts); c.2522A>G, p.Lys841Arg (NM_001395691.1); c.1406A>G, p.Lys469Arg (NM_001395697.1); short protein forms K1030R, K469R, K841R, K895R, K936R.
Identifiers: ClinVar variation 1719996 (VCV001719996.6), dbSNP rs2542772441, ClinGen allele CA390877092.

ClinVar aggregate classification (germline): Uncertain significance (1 of 4 stars; one submission).

Conditions:
DICER1-related tumor predisposition. Also called: DICER1 syndrome; DICER1-related pleuropulmonary blastoma cancer predisposition syndrome. Identifiers: Orphanet 284343, MedGen C3839822, MONDO:0100216.

Submission:

Labcorp Genetics (formerly Invitae), Labcorp
Classification: Uncertain significance for DICER1-related tumor predisposition. Last evaluated: 2022-09-21. Review status: criteria provided, single submitter. Criteria: Invitae Variant Classification Sherloc (09022015). Collection method: clinical testing. Allele origin: germline.
Comment: Advanced modeling of protein sequence and biophysical properties (such as structural, functional, and spatial information, amino acid conservation, physicochemical variation, residue mobility, and thermodynamic stability) performed at Invitae indicates that this missense variant is not expected to disrupt DICER1 protein function. This variant is not present in population databases (gnomAD no frequency). This variant has not been reported in the literature in individuals affected with DICER1-related conditions. In summary, the available evidence is currently insufficient to determine the role of this variant in disease. Therefore, it has been classified as a Variant of Uncertain Significance. This sequence change replaces lysine, which is basic and polar, with arginine, which is basic and polar, at codon 1030 of the DICER1 protein (p.Lys1030Arg).